The following is an entry in ClinVar:

ClinVar aggregate classification (germline): Pathogenic (1 of 4 stars; one submission).

Conditions:
Sessile serrated polyposis cancer syndrome (SSPCS). Identifiers: Orphanet 157798, MedGen C4310714, MONDO:0014919, OMIM 617108.

Submission:

Myriad Genetics, Inc.
Classification: Pathogenic for Sessile serrated polyposis cancer syndrome. Last evaluated: 2025-12-12. Review status: criteria provided, single submitter. Criteria: Myriad Autosomal Dominant, Autosomal Recessive and X-Linked Classification Criteria (2023). Collection method: clinical testing. Allele origin: unknown.
Comment: This variant is considered pathogenic. This variant creates a termination codon and is predicted to result in premature protein truncation.

NM_017763.6(RNF43):c.127G>T (p.Glu43Ter)

Gene: RNF43 (ring finger protein 43; minus strand). Cytogenetic location: 17q22.
Variant type: single nucleotide variant.
Coding change: c.127G>T on transcript NM_017763.6 (MANE Select); coding-DNA position 127, G replaced by T.
Protein change: p.Glu43Ter; replaces glutamic acid 43 with a stop codon.
Molecular consequence: nonsense. On other transcripts: intron variant (1).
Genome position (GRCh38, 1-based): chr17:58,415,451, C>A on the plus strand (G>T on the coding strand, the complement: RNF43 is on the minus strand). VCF-style: chr17-58415451-C-A. GRCh37 (hg19) VCF-style: chr17-56492812-C-A.
Other names: c.127G>T, p.Glu43Ter (NM_001305544.3, NM_001438820.1, NM_001438821.1 and 1 more transcripts); c.-130+1566G>T (NM_001437987.1); short protein forms E43*.
Identifiers: ClinVar variation 4812949 (VCV004812949.1).
Genomic context (GRCh38, chr17:58,415,451, plus strand): 5'-GATTCAGTTTTCCTGTGGGGTCCATTTTCAAGGGGATCACTCTGATAATAGCTTTCTGTT[C>A]TGCTGATCTTTCAGACTCCACCGCTGCTGCCAGTACCAGTCCTGTGCGTCCAAAGCCTGC-3'